The following is an entry in ClinVar:

NM_006231.4(POLE):c.3590T>G (p.Met1197Arg)

Gene: POLE (DNA polymerase epsilon, catalytic subunit; minus strand). Cytogenetic location: 12q24.33.
Variant type: single nucleotide variant.
Coding change: c.3590T>G on transcript NM_006231.4 (MANE Select); coding-DNA position 3590, T replaced by G.
Protein change: p.Met1197Arg; replaces methionine 1197 with arginine.
Molecular consequence: missense variant.
Genome position (GRCh38, 1-based): chr12:132,649,882, A>C on the plus strand (T>G on the coding strand, the complement: POLE is on the minus strand). VCF-style: chr12-132649882-A-C. GRCh37 (hg19) VCF-style: chr12-133226468-A-C.
Other names: short protein forms M1197R.
Identifiers: ClinVar variation 2049769 (VCV002049769.3), dbSNP rs2138615752, ClinGen allele CA387387066.

ClinVar aggregate classification (germline): Uncertain significance (1 of 4 stars; one submission).

Submission:

Labcorp Genetics (formerly Invitae), Labcorp
Classification: Uncertain significance. Last evaluated: 2024-04-27. Review status: criteria provided, single submitter. Criteria: Invitae Variant Classification Sherloc (09022015). Collection method: clinical testing. Allele origin: germline.
Comment: This sequence change replaces methionine, which is neutral and non-polar, with arginine, which is basic and polar, at codon 1197 of the POLE protein (p.Met1197Arg). This variant is not present in population databases (gnomAD no frequency). This variant has not been reported in the literature in individuals affected with POLE-related conditions. ClinVar contains an entry for this variant (Variation ID: 2049769). Advanced modeling of protein sequence and biophysical properties (such as structural, functional, and spatial information, amino acid conservation, physicochemical variation, residue mobility, and thermodynamic stability) performed at Invitae indicates that this missense variant is not expected to disrupt POLE protein function with a negative predictive value of 80%. In summary, the available evidence is currently insufficient to determine the role of this variant in disease. Therefore, it has been classified as a Variant of Uncertain Significance.